The following is an entry in ClinVar:

ClinVar aggregate classification (germline): Pathogenic/Likely pathogenic. Review status: criteria provided, multiple submitters, no conflicts (2 of 4 stars). 7 submissions from 7 submitters: Pathogenic (4); Likely pathogenic (2). 1 of the submissions does not count toward it. Last evaluated 2025-05-27.

Conditions:
Wilson disease (WND). Also called: Wilson's disease. Identifiers: Orphanet 905, MedGen C0019202, MONDO:0010200, OMIM 277900. Disease mechanism: loss of function.

Allele frequency attached by ClinVar (database versions not stated): gnomAD exomes below 0.00001; gnomAD 0.00001.
gnomAD v4.1: 5 of 1,611,276 alleles (0.00031%); highest among the groups gnomAD compares: Non-Finnish European, 0.00042%; no homozygotes.

Submissions (7):

Natera, Inc.
Classification: Likely pathogenic for Wilson disease. Last evaluated: 2025-05-27. Review status: criteria provided, single submitter. Criteria: Natera Variant Classification Schema (03/2026). Collection method: clinical testing. Allele origin: germline.
Comment: The c.562C>T variant in ATP7B is a nonsense variant predicted to introduce a stop codon at amino acid 188. This variant is expected to result in nonsense mediated decay, truncation, or a dysfunctional protein product. This variant is rare in the general population with a frequency below the threshold expected for the associated phenotype(s). Given the available evidence, this variant is classified as Likely Pathogenic.

All of Us Research Program, National Institutes of Health
Classification: Pathogenic for Wilson disease. Last evaluated: 2024-02-05. Review status: criteria provided, single submitter. Criteria: ACMG Guidelines, 2015. Collection method: clinical testing. Allele origin: germline. Inheritance: Autosomal recessive inheritance. Observed: 2 variant alleles, 2 heterozygotes.
Comment: This variant changes 1 nucleotide in exon 2 of the ATP7B gene, creating a premature translation stop signal. This variant is expected to result in an absent or non-functional protein product. This variant has been observed in the compound heterozygous state in individuals affected with autosomal recessive Wilson disease (PMID: 17949296, 23518715), indicating that this variant contributes to disease. This variant has been identified in 1/31396 chromosomes in the general population by the Genome Aggregation Database (gnomAD). Loss of ATP7B function is a known mechanism of disease. Based on the available evidence, this variant is classified as Pathogenic.

This study involves interpretation of variants in research participants for the purpose of population health screening. Participant phenotype was not available at the time of variant classification. Additional details can be found in publication PMID: 35346344, PMCID: PMC8962531

Baylor Genetics
Classification: Pathogenic for Wilson disease. Last evaluated: 2024-01-20. Review status: criteria provided, single submitter. Criteria: ACMG Guidelines, 2015. Collection method: clinical testing. Allele origin: unknown.

Labcorp Genetics (formerly Invitae), Labcorp
Classification: Pathogenic for Wilson disease. Last evaluated: 2023-03-02. Review status: criteria provided, single submitter. Criteria: Invitae Variant Classification Sherloc (09022015). Collection method: clinical testing. Allele origin: germline.
Comment: This sequence change creates a premature translational stop signal (p.Gln188*) in the ATP7B gene. It is expected to result in an absent or disrupted protein product. Loss-of-function variants in ATP7B are known to be pathogenic (PMID: 10441329, 16283883). This variant is present in population databases (no rsID available, gnomAD 0.007%). This premature translational stop signal has been observed in individual(s) with Wilson disease (PMID: 17949296, 23518715). ClinVar contains an entry for this variant (Variation ID: 552374). For these reasons, this variant has been classified as Pathogenic.

GeneDx
Classification: Pathogenic. Last evaluated: 2023-02-24. Review status: criteria provided, single submitter. Criteria: GeneDx Variant Classification Process June 2021. Collection method: clinical testing. Allele origin: germline. Affected: yes.
Comment: Nonsense variant predicted to result in protein truncation or nonsense mediated decay in a gene for which loss of function is a known mechanism of disease; Not observed at significant frequency in large population cohorts (gnomAD); This variant is associated with the following publications: (PMID: 31589614, 25525159, 10441329, 23518715, 16283883, Jayakanthan2019[bookchapter], 17949296)

Genome-Nilou Lab
Classification: Likely pathogenic for Wilson disease. Last evaluated: 2021-08-10. Review status: criteria provided, single submitter. Criteria: ACMG Guidelines, 2015. Collection method: clinical testing. Allele origin: germline. Affected: no.

Counsyl
Classification: Likely pathogenic for Wilson disease. Last evaluated: 2017-06-21. Review status: no assertion criteria provided. Collection method: clinical testing. Allele origin: unknown. Not counted in ClinVar's aggregate classification.

Literature cited by the submitters: PubMed 17949296 (cited by 3 submitters); PubMed 23518715 (cited by 3 submitters); PubMed 10441329 (cited by Labcorp Genetics (formerly Invitae), Labcorp); PubMed 16283883 (cited by Labcorp Genetics (formerly Invitae), Labcorp); PubMed 25525159 (cited by Counsyl).

NM_000053.4(ATP7B):c.562C>T (p.Gln188Ter)

Gene: ATP7B (ATPase copper transporting beta; minus strand). Cytogenetic location: 13q14.3.
Variant type: single nucleotide variant.
Coding change: c.562C>T on transcript NM_000053.4 (MANE Select); coding-DNA position 562, C replaced by T.
Protein change: p.Gln188Ter; replaces glutamine 188 with a stop codon.
Molecular consequence: nonsense.
Genome position (GRCh38, 1-based): chr13:51,974,658, G>A on the plus strand (C>T on the coding strand, the complement: ATP7B is on the minus strand). VCF-style: chr13-51974658-G-A. GRCh37 (hg19) VCF-style: chr13-52548794-G-A.
Other names: c.562C>T, p.Gln188Ter (NM_001005918.3, NM_001243182.2, NM_001330578.2 and 1 more transcripts); short protein forms Q188*.
Identifiers: ClinVar variation 552374 (VCV000552374.17), dbSNP rs1412593296, ClinGen allele CA388042708.